The following is an entry in ClinVar:

ClinVar aggregate classification (germline): Uncertain significance (1 of 4 stars; one submission).

Submission:

Laboratory for Molecular Medicine, Mass General Brigham Personalized Medicine
Classification: Uncertain significance. Last evaluated: 2014-08-21. Review status: criteria provided, single submitter. Criteria: LMM Criteria. Collection method: clinical testing. Allele origin: germline. Observed: 1 variant allele.
Comment: The Arg443Pro variant in MYH6 has not been previously reported in individuals wi th cardiomyopathy and was absent from large population studies. Computational pr ediction tools and conservation analysis suggest that this variant may impact th e protein, though this information is not predictive enough to determine pathoge nicity. In summary, the clinical significance of the Arg443Pro variant is uncert ain.

NM_002471.4(MYH6):c.1328G>C (p.Arg443Pro)

Gene: MYH6 (myosin heavy chain 6; minus strand). Cytogenetic location: 14q11.2.
Variant type: single nucleotide variant.
Coding change: c.1328G>C on transcript NM_002471.4 (MANE Select); coding-DNA position 1328, G replaced by C.
Protein change: p.Arg443Pro; replaces arginine 443 with proline.
Molecular consequence: missense variant.
Genome position (GRCh38, 1-based): chr14:23,400,791, C>G on the plus strand (G>C on the coding strand, the complement: MYH6 is on the minus strand). VCF-style: chr14-23400791-C-G. GRCh37 (hg19) VCF-style: chr14-23870000-C-G.
Other names: short protein forms R443P.
Identifiers: ClinVar variation 179966 (VCV000179966.4), dbSNP rs202096001, ClinGen allele CA185529.